The following is an entry in ClinVar:

NM_004370.6(COL12A1):c.398G>A (p.Cys133Tyr)

Gene: COL12A1 (collagen type XII alpha 1 chain; minus strand). Cytogenetic location: 6q13.
Variant type: single nucleotide variant.
Coding change: c.398G>A on transcript NM_004370.6 (MANE Select); coding-DNA position 398, G replaced by A.
Protein change: p.Cys133Tyr; replaces cysteine 133 with tyrosine.
Molecular consequence: missense variant. On other transcripts: intron variant (2).
Genome position (GRCh38, 1-based): chr6:75,189,812, C>T on the plus strand (G>A on the coding strand, the complement: COL12A1 is on the minus strand). VCF-style: chr6-75189812-C-T. GRCh37 (hg19) VCF-style: chr6-75899528-C-T.
Other names: c.398G>A, p.Cys133Tyr (NM_001424113.1, NM_001424114.1, NM_001424115.1); c.73+12908G>A (NM_001424116.1, NM_080645.3); short protein forms C133Y.
Identifiers: ClinVar variation 2943708 (VCV002943708.3), dbSNP rs771565877, ClinGen allele CA3894434.

ClinVar aggregate classification (germline): Uncertain significance (1 of 4 stars; one submission).

Conditions:
Ullrich congenital muscular dystrophy 2 (UCMD2). Identifiers: Orphanet 75840, MedGen C4225314, MONDO:0014654, OMIM 616470.
Bethlem myopathy 2 (BTHLM2). Identifiers: Orphanet 536516, Orphanet 610, MedGen C4225313, MONDO:0034022, OMIM 616471.

Allele frequency attached by ClinVar (database versions not stated): gnomAD exomes below 0.00001; ExAC 0.00001; gnomAD 0.00001.
gnomAD v4.1: 2 of 1,611,060 alleles (0.00012%); highest among the groups gnomAD compares: Non-Finnish European, 0.00017%; no homozygotes.

Submission:

Labcorp Genetics (formerly Invitae), Labcorp
Classification: Uncertain significance for Bethlem myopathy 2; Ullrich congenital muscular dystrophy 2. Last evaluated: 2023-12-10. Review status: criteria provided, single submitter. Criteria: Invitae Variant Classification Sherloc (09022015). Collection method: clinical testing. Allele origin: germline.
Comment: This sequence change replaces cysteine, which is neutral and slightly polar, with tyrosine, which is neutral and polar, at codon 133 of the COL12A1 protein (p.Cys133Tyr). This variant is not present in population databases (gnomAD no frequency). This variant has not been reported in the literature in individuals affected with COL12A1-related conditions. Advanced modeling of protein sequence and biophysical properties (such as structural, functional, and spatial information, amino acid conservation, physicochemical variation, residue mobility, and thermodynamic stability) has been performed at Invitae for this missense variant, however the output from this modeling did not meet the statistical confidence thresholds required to predict the impact of this variant on COL12A1 protein function. In summary, the available evidence is currently insufficient to determine the role of this variant in disease. Therefore, it has been classified as a Variant of Uncertain Significance.